The following is an entry in ClinVar:

ClinVar aggregate classification (germline): Likely benign. Review status: criteria provided, multiple submitters, no conflicts (2 of 4 stars). 2 submissions from 2 submitters: Likely benign (2). Last evaluated 2025-10-29.

Conditions:
RAI1-related disorder. Also called: RAI1-related condition.

gnomAD v4.1: 5 of 1,613,330 alleles (0.00031%); highest among the groups gnomAD compares: African/African-American, 0.0013%; no homozygotes.

Submissions (2):

PreventionGenetics, part of Exact Sciences
Classification: Likely benign for RAI1-related condition. Last evaluated: 2025-10-29. Review status: criteria provided, single submitter. Criteria: ACMG Guidelines, 2015. Collection method: clinical testing. Allele origin: germline.
Comment: This variant is classified as likely benign based on ACMG/AMP sequence variant interpretation guidelines (Richards et al. 2015 PMID: 25741868, with internal and published modifications).

Labcorp Genetics (formerly Invitae), Labcorp
Classification: Likely benign. Last evaluated: 2025-10-10. Review status: criteria provided, single submitter. Criteria: Invitae Variant Classification Sherloc (09022015). Collection method: clinical testing. Allele origin: germline.

NM_030665.4(RAI1):c.483C>T (p.Gly161=)

Gene: RAI1 (retinoic acid induced 1; plus strand). Cytogenetic location: 17p11.2.
Variant type: single nucleotide variant.
Coding change: c.483C>T on transcript NM_030665.4 (MANE Select); coding-DNA position 483, C replaced by T.
Protein change: p.Gly161=; no amino-acid change (glycine 161 retained).
Molecular consequence: synonymous variant.
Genome position (GRCh38, 1-based): chr17:17,793,431, C>T. VCF-style: chr17-17793431-C-T. GRCh37 (hg19) VCF-style: chr17-17696745-C-T.
Other names: c.483C>T (NM_030665.3).
Identifiers: ClinVar variation 3730669 (VCV003730669.3).